The following is an entry in ClinVar:

ClinVar aggregate classification (germline): Likely benign (1 of 4 stars; one submission).

gnomAD v4.1: 2 of 1,612,992 alleles (0.00012%); highest among the groups gnomAD compares: African/African-American, 0.0027%; no homozygotes.

Submission:

Women's Health and Genetics/Laboratory Corporation of America, LabCorp
Classification: Likely benign. Last evaluated: 2025-12-12. Review status: criteria provided, single submitter. Criteria: LabCorp Variant Classification Summary - May 2015. Collection method: clinical testing. Allele origin: germline.
Comment: Variant summary: ALMS1 c.12112-6T>G alters a nucleotide located at a position not widely known to affect splicing. Consensus agreement among computation tools predict no significant impact on normal splicing. However, these predictions have yet to be confirmed by functional studies. The frequency data for this variant in gnomAD is considered unreliable, as metrics indicate poor data quality at this position. To our knowledge, no occurrence of c.12112-6T>G in individuals affected with ALMS1-related conditions and no experimental evidence demonstrating its impact on protein function have been reported. No submitters have cited clinical-significance assessments for this variant to ClinVar. Based on the evidence outlined above, the variant was classified as likely benign.

NM_001378454.1(ALMS1):c.12115-6T>G

Genes: ALMS1 (ALMS1 centrosome and basal body associated protein; plus strand), LOC126806252 (BRD4-independent group 4 enhancer GRCh37_chr2:73828496-73829695; plus strand). Cytogenetic location: 2p13.1.
Variant type: single nucleotide variant.
Coding change: c.12115-6T>G on transcript NM_001378454.1 (MANE Select); 6 bases into the intron before coding-DNA position 12115, T replaced by G.
Molecular consequence: intron variant.
Genome position (GRCh38, 1-based): chr2:73,602,179, T>G. VCF-style: chr2-73602179-T-G. GRCh37 (hg19) VCF-style: chr2-73829306-T-G.
Other names: c.12115-6T>G (NM_015120.4); c.12118-6T>G (NM_015120.4).
Identifiers: ClinVar variation 4688359 (VCV004688359.1).